The following is an entry in ClinVar:

ClinVar aggregate classification (germline): Uncertain significance (1 of 4 stars; one submission).

Conditions:
Congenital myopathy. Identifiers: Orphanet 97245, MedGen C0270960, MONDO:0019952.

Submission:

Broad Center for Mendelian Genomics, Broad Institute of MIT and Harvard
Classification: Uncertain significance for Congenital myopathy. Last evaluated: 2023-08-24. Review status: criteria provided, single submitter. Criteria: ACMG/ClinGen CNV Guidelines, 2019. Collection method: research. Allele origin: inherited. Inheritance: Autosomal recessive inheritance. Affected: yes.
Comment: A homozygous deletion of exons 3-9 in SYT2 (NM_177402.5) was identified by exome sequencing in one individual with congenital myopathy ([GRCh 38] chr1:202434559_202604719x0)(PMID: 32776697). The presence of this deletion was validated by targeted chromosomal microarray of the SYT2 gene. These breakpoints have been estimated by exome sequencing only and therefore may not reflect the true breakpoint. The patient phenotype is nonspecific, but is consistent with cases described in the literature and/or published databases with overlapping variants. This variant is a deletion of seven exons and is not predicted to alter the protein reading frame. It is unclear if this deletion will impact the protein. Loss of function of SYT2 is an established disease mechanism in autosomal recessive congenital myasthenic syndrome. In summary, while there is some suspicion for a pathogenic role, the clinical significance of this variant is uncertain. The ACMG/ClinGen evidence codes and points used in this curation are as follows: 1: 0 points, 2: 0.45 points, 3: 0 points, 4-5: 0.15 points; Total: 0.60 points; Riggs 2020 (PMID: 31690835).

Literature cited by the submitters: PubMed 32776697.

GRCh38/hg38 1q32.1(chr1:202434559-202604719)x0

Genes: SYT2 (synaptotagmin 2; minus strand), PPP1R12B (protein phosphatase 1 regulatory subunit 12B; plus strand), LOC126805978 (BRD4-independent group 4 enhancer GRCh37_chr1:202557917-202559116; plus strand), LOC129388729 (MPRA-validated peak655 silencer; plus strand), LOC122149342 (Sharpr-MPRA regulatory region 7043; plus strand) and 3 more. Cytogenetic location: 1q32.1.
Variant type: copy number loss.
Change: copy number 0 (both copies lost) of chr1:202,434,559-202,604,719 (170.2 kb, GRCh38 coordinates, 1-based), cytogenetic band 1q32.1.
Identifiers: ClinVar variation 2579256 (VCV002579256.1).